The following is an entry in ClinVar:

ClinVar aggregate classification (germline): Uncertain significance (1 of 4 stars; one submission).

Conditions:
Long QT syndrome (LQTS). Identifiers: MedGen C0023976, MeSH D008133, MONDO:0002442. Disease mechanism: loss of function. Inheritance: Various modes of inheritance.

gnomAD v4.1: 1 of 1,613,566 alleles (0.000062%); highest among the groups gnomAD compares: Non-Finnish European, 0.000085%; no homozygotes.

Submission:

Labcorp Genetics (formerly Invitae), Labcorp
Classification: Uncertain significance for Long QT syndrome. Last evaluated: 2026-01-21. Review status: criteria provided, single submitter. Criteria: Invitae Variant Classification Sherloc (09022015). Collection method: clinical testing. Allele origin: germline.
Comment: This sequence change replaces aspartic acid, which is acidic and polar, with glycine, which is neutral and non-polar, at codon 3726 of the ANK2 protein (p.Asp3726Gly). This variant is present in population databases (rs762384095, gnomAD 0.0009%). This variant has not been reported in the literature in individuals affected with ANK2-related conditions. Invitae Evidence Modeling of protein sequence and biophysical properties (such as structural, functional, and spatial information, amino acid conservation, physicochemical variation, residue mobility, and thermodynamic stability) indicates that this missense variant is not expected to disrupt ANK2 protein function with a negative predictive value of 80%. In summary, the available evidence is currently insufficient to determine the role of this variant in disease. Therefore, it has been classified as a Variant of Uncertain Significance.

NM_001148.6(ANK2):c.11177A>G (p.Asp3726Gly)

Gene: ANK2 (ankyrin 2; plus strand). Cytogenetic location: 4q26.
Variant type: single nucleotide variant.
Coding change: c.11177A>G on transcript NM_001148.6 (MANE Select); coding-DNA position 11177, A replaced by G.
Protein change: p.Asp3726Gly; replaces aspartic acid 3726 with glycine.
Molecular consequence: missense variant.
Genome position (GRCh38, 1-based): chr4:113,367,710, A>G. VCF-style: chr4-113367710-A-G. GRCh37 (hg19) VCF-style: chr4-114288866-A-G.
Other names: c.4895A>G, p.Asp1632Gly (NM_001127493.3); c.4934A>G, p.Asp1645Gly (NM_001354225.2); c.4823A>G, p.Asp1608Gly (NM_001354228.2, NM_001354258.2); c.4901A>G, p.Asp1634Gly (NM_001354230.2); c.4964A>G, p.Asp1655Gly (NM_001354231.2, NM_001354242.2); c.4958A>G, p.Asp1653Gly (NM_001354232.2); c.4919A>G, p.Asp1640Gly (NM_001354235.2, NM_001354246.2, NM_001354265.2); c.4820A>G, p.Asp1607Gly (NM_001354236.2); and 35 more; short protein forms D1541G, D1546G, D1579G, D1608G, D1619G, D1631G, D1634G, D1640G.
Identifiers: ClinVar variation 4740087 (VCV004740087.1).